The following is an entry in ClinVar:

ClinVar aggregate classification (germline): Uncertain significance (1 of 4 stars; one submission).

Conditions:
Norman-Roberts syndrome (LIS2). Also called: Lissencephaly 2 (Norman-Roberts type). Identifiers: Orphanet 89844, MedGen C0796089, MONDO:0009760, OMIM 257320.
Familial temporal lobe epilepsy 7. Identifiers: Orphanet 101046, MedGen C4225327, MONDO:0014639, OMIM 616436.

Submission:

Labcorp Genetics (formerly Invitae), Labcorp
Classification: Uncertain significance for Familial temporal lobe epilepsy 7; Norman-Roberts syndrome. Last evaluated: 2024-02-02. Review status: criteria provided, single submitter. Criteria: Invitae Variant Classification Sherloc (09022015). Collection method: clinical testing. Allele origin: germline.
Comment: This sequence change replaces tyrosine, which is neutral and polar, with histidine, which is basic and polar, at codon 3240 of the RELN protein (p.Tyr3240His). This variant is not present in population databases (gnomAD no frequency). This variant has not been reported in the literature in individuals affected with RELN-related conditions. Advanced modeling of protein sequence and biophysical properties (such as structural, functional, and spatial information, amino acid conservation, physicochemical variation, residue mobility, and thermodynamic stability) performed at Invitae indicates that this missense variant is not expected to disrupt RELN protein function with a negative predictive value of 80%. In summary, the available evidence is currently insufficient to determine the role of this variant in disease. Therefore, it has been classified as a Variant of Uncertain Significance.

NM_005045.4(RELN):c.9718T>C (p.Tyr3240His)

Genes: SLC26A5-AS1 (SLC26A5 antisense RNA 1; plus strand), RELN (reelin; minus strand), LOC126860130 (BRD4-independent group 4 enhancer GRCh37_chr7:103130126-103131325; plus strand). Cytogenetic location: 7q22.1.
Variant type: single nucleotide variant.
Coding change: c.9718T>C on transcript NM_005045.4 (MANE Select); coding-DNA position 9718, T replaced by C.
Protein change: p.Tyr3240His; replaces tyrosine 3240 with histidine.
Molecular consequence: missense variant.
Genome position (GRCh38, 1-based): chr7:103,489,787, A>G on the plus strand (T>C on the coding strand, the complement: RELN is on the minus strand). VCF-style: chr7-103489787-A-G. GRCh37 (hg19) VCF-style: chr7-103130234-A-G.
Other names: c.9718T>C, p.Tyr3240His (NM_173054.3); short protein forms Y3240H.
Identifiers: ClinVar variation 3752473 (VCV003752473.2).